The following is an entry in ClinVar:

ClinVar aggregate classification (germline): Benign/Likely benign. Review status: criteria provided, multiple submitters, no conflicts (2 of 4 stars). 4 submissions from 4 submitters: Benign (2); Likely benign (1). 1 of the submissions does not count toward it. Last evaluated 2025-12-15.

Conditions:
COL13A1-related disorder. Also called: COL13A1-related condition.

Allele frequency attached by ClinVar (database versions not stated): gnomAD exomes 0.00009 and 0.00030; ExAC 0.00038; 1000 Genomes Project 0.00120; ESP Exome Variant Server 0.00123; 1000 Genomes Project 30x 0.00125; gnomAD 0.00129 and 0.00140; TOPMed 0.00136.
gnomAD v4.1: 335 of 1,612,948 alleles (0.021%); highest among the groups gnomAD compares: African/African-American, 0.38%; 2 homozygotes.

Submissions (4):

Labcorp Genetics (formerly Invitae), Labcorp
Classification: Benign. Last evaluated: 2025-12-15. Review status: criteria provided, single submitter. Criteria: Invitae Variant Classification Sherloc (09022015). Collection method: clinical testing. Allele origin: germline.

Mayo Clinic Laboratories, Mayo Clinic
Classification: Likely benign. Last evaluated: 2025-04-30. Review status: criteria provided, single submitter. Criteria: ACMG Guidelines, 2015. Collection method: clinical testing. Allele origin: germline. Observed: 1 variant allele.
Comment: BS1, BP4, BP7

Breakthrough Genomics
Classification: Benign. Review status: criteria provided, single submitter. Criteria: ACMG Guidelines, 2015. Collection method: not provided. Allele origin: germline. Inheritance: Autosomal recessive inheritance. Affected: yes.

PreventionGenetics, part of Exact Sciences
Classification: Likely benign for COL13A1-related condition. Last evaluated: 2019-05-24. Review status: no assertion criteria provided. Collection method: clinical testing. Allele origin: germline. Not counted in ClinVar's aggregate classification.
Comment: This variant is classified as likely benign based on ACMG/AMP sequence variant interpretation guidelines (Richards et al. 2015 PMID: 25741868, with internal and published modifications).

NM_001368882.1(COL13A1):c.555C>T (p.Pro185=)

Gene: COL13A1 (collagen type XIII alpha 1 chain; plus strand). Cytogenetic location: 10q22.1.
Variant type: single nucleotide variant.
Coding change: c.555C>T on transcript NM_001368882.1 (MANE Select); coding-DNA position 555, C replaced by T.
Protein change: p.Pro185=; no amino-acid change (proline 185 retained).
Molecular consequence: synonymous variant. On other transcripts: 5 prime UTR variant (1).
Genome position (GRCh38, 1-based): chr10:69,888,309, C>T. VCF-style: chr10-69888309-C-T. GRCh37 (hg19) VCF-style: chr10-71648065-C-T.
Other names: p.Pro176=; c.528C>T, p.Pro176= (NM_001130103.2, NM_080800.4, NM_080801.4 and 1 more transcripts); c.555C>T, p.Pro185= (NM_001320951.2, NM_001368884.1); c.519C>T, p.Pro173= (NM_001368883.1, NM_001368885.1); c.-46C>T (NM_001368886.1); c.465C>T, p.Pro155= (NM_001368895.1); c.414C>T, p.Pro138= (NM_001368896.1, NM_001368898.1, NM_080798.4); c.441C>T, p.Pro147= (NM_001368897.1, NM_080805.4); and 1 more.
Identifiers: ClinVar variation 1579535 (VCV001579535.12), dbSNP rs374489567, ClinGen allele CA5534255.